The following is an entry in ClinVar:

NM_004525.3(LRP2):c.4745C>T (p.Ala1582Val)

Gene: LRP2 (LDL receptor related protein 2; minus strand). Cytogenetic location: 2q31.1.
Variant type: single nucleotide variant.
Coding change: c.4745C>T on transcript NM_004525.3 (MANE Select); coding-DNA position 4745, C replaced by T.
Protein change: p.Ala1582Val; replaces alanine 1582 with valine.
Molecular consequence: missense variant.
Genome position (GRCh38, 1-based): chr2:169,236,015, G>A on the plus strand (C>T on the coding strand, the complement: LRP2 is on the minus strand). VCF-style: chr2-169236015-G-A. GRCh37 (hg19) VCF-style: chr2-170092525-G-A.
Other names: c.4745C>T (NM_004525.2); short protein forms A1582V.
Identifiers: ClinVar variation 1500498 (VCV001500498.10), dbSNP rs183726294, ClinGen allele CA1954714.

ClinVar aggregate classification (germline): Uncertain significance. Review status: criteria provided, multiple submitters, no conflicts (2 of 4 stars). 5 submissions from 5 submitters: Uncertain significance (5). Last evaluated 2025-08-10.

Conditions:
LRP2-related disorder. Also called: LRP2-related condition.
Inborn genetic diseases. Identifiers: MedGen C0950123, MeSH D030342.
Donnai-Barrow syndrome. Also called: DBS/FOAR SYNDROME; FACIOOCULOACOUSTICORENAL SYNDROME. Identifiers: Orphanet 2143, MedGen C1857277, MONDO:0009104, OMIM 222448.

Allele frequency attached by ClinVar (database versions not stated): gnomAD exomes 0.00001; ExAC 0.00002; gnomAD 0.00006 and 0.00007; TOPMed 0.00006; 1000 Genomes Project 0.00020; 1000 Genomes Project 30x 0.00031.
gnomAD v4.1: 22 of 1,614,198 alleles (0.0014%); highest among the groups gnomAD compares: African/African-American, 0.025%; no homozygotes.

Submissions (5):

Ambry Genetics
Classification: Uncertain significance for Inborn genetic diseases. Last evaluated: 2025-08-10. Review status: criteria provided, single submitter. Criteria: Ambry Variant Classification Scheme 2023. Collection method: clinical testing. Allele origin: germline.

PreventionGenetics, part of Exact Sciences
Classification: Uncertain significance for LRP2-related condition. Last evaluated: 2025-03-22. Review status: criteria provided, single submitter. Criteria: ACMG Guidelines, 2015. Collection method: clinical testing. Allele origin: germline.
Comment: The LRP2 c.4745C>T variant is predicted to result in the amino acid substitution p.Ala1582Val. To our knowledge, this variant has not been reported in the literature. This variant is reported in 0.020% of alleles in individuals of African descent in gnomAD. At this time, the clinical significance of this variant is uncertain due to the absence of conclusive functional and genetic evidence.

Greenwood Genetic Center Diagnostic Laboratories, Greenwood Genetic Center
Classification: Uncertain significance. Last evaluated: 2024-03-07. Review status: criteria provided, single submitter. Criteria: ACMG Guidelines, 2015. Collection method: clinical testing. Allele origin: germline. Affected: yes.
Comment: PM2, PP2

Labcorp Genetics (formerly Invitae), Labcorp
Classification: Uncertain significance. Last evaluated: 2023-12-11. Review status: criteria provided, single submitter. Criteria: Invitae Variant Classification Sherloc (09022015). Collection method: clinical testing. Allele origin: germline.
Comment: This sequence change replaces alanine, which is neutral and non-polar, with valine, which is neutral and non-polar, at codon 1582 of the LRP2 protein (p.Ala1582Val). This variant is present in population databases (rs183726294, gnomAD 0.02%). This variant has not been reported in the literature in individuals affected with LRP2-related conditions. ClinVar contains an entry for this variant (Variation ID: 1500498). Advanced modeling of protein sequence and biophysical properties (such as structural, functional, and spatial information, amino acid conservation, physicochemical variation, residue mobility, and thermodynamic stability) has been performed at Invitae for this missense variant, however the output from this modeling did not meet the statistical confidence thresholds required to predict the impact of this variant on LRP2 protein function. In summary, the available evidence is currently insufficient to determine the role of this variant in disease. Therefore, it has been classified as a Variant of Uncertain Significance.

Fulgent Genetics
Classification: Uncertain significance for Donnai-Barrow syndrome. Last evaluated: 2022-02-01. Review status: criteria provided, single submitter. Criteria: ACMG Guidelines, 2015. Collection method: clinical testing. Allele origin: unknown.